The following is an entry in ClinVar:

NM_001377142.1(PLCB4):c.2815-15A>C

Gene: PLCB4 (phospholipase C beta 4; plus strand). Cytogenetic location: 20p12.2.
Variant type: single nucleotide variant.
Coding change: c.2815-15A>C on transcript NM_001377142.1 (MANE Select); 15 bases into the intron before coding-DNA position 2815, A replaced by C.
Molecular consequence: intron variant.
Genome position (GRCh38, 1-based): chr20:9,444,163, A>C. VCF-style: chr20-9444163-A-C. GRCh37 (hg19) VCF-style: chr20-9424810-A-C.
Other names: c.2779-15A>C (NM_001377134.2, NM_000933.4, NM_182797.3 and 2 more transcripts); c.2815-15A>C (NM_001377143.1, NM_001172646.2).
Identifiers: ClinVar variation 339583 (VCV000339583.15), dbSNP rs6039471, ClinGen allele CA9761505.

ClinVar aggregate classification (germline): Benign. Review status: criteria provided, multiple submitters, no conflicts (2 of 4 stars). 5 submissions from 5 submitters: Benign (5). Last evaluated 2026-02-01.

Conditions:
Auriculocondylar syndrome 2 (ARCND2A). Also called: AURICULOCONDYLAR SYNDROME 2A. Identifiers: Orphanet 137888, MedGen C3553404, MONDO:0013845, OMIM 614669.

Allele frequency attached by ClinVar (database versions not stated): gnomAD 0.21716; TOPMed 0.23133; 1000 Genomes Project 0.23802; 1000 Genomes Project 30x 0.24016; ESP Exome Variant Server 0.22485.
gnomAD v4.1: 287,988 of 1,570,788 alleles (18%); highest among the groups gnomAD compares: East Asian, 40%; 29,562 homozygotes.

Submissions (5):

Labcorp Genetics (formerly Invitae), Labcorp
Classification: Benign. Last evaluated: 2026-02-01. Review status: criteria provided, single submitter. Criteria: Invitae Variant Classification Sherloc (09022015). Collection method: clinical testing. Allele origin: germline.

Genome-Nilou Lab
Classification: Benign for Auriculocondylar syndrome 2. Last evaluated: 2021-09-05. Review status: criteria provided, single submitter. Criteria: ACMG Guidelines, 2015. Collection method: clinical testing. Allele origin: germline. Affected: no.

GeneDx
Classification: Benign. Last evaluated: 2021-05-14. Review status: criteria provided, single submitter. Criteria: GeneDx Variant Classification Process June 2021. Collection method: clinical testing. Allele origin: germline. Affected: yes.

Illumina Laboratory Services, Illumina
Classification: Benign for Auriculocondylar syndrome 2. Last evaluated: 2018-01-13. Review status: criteria provided, single submitter. Criteria: ICSL Variant Classification Criteria 13 December 2019. Collection method: clinical testing. Allele origin: germline.
Comment: This variant was observed in the ICSL laboratory as part of a predisposition screen in an ostensibly healthy population. It had not been previously curated by ICSL or reported in the Human Gene Mutation Database (HGMD: prior to June 1st, 2018), and was therefore a candidate for classification through an automated scoring system. Utilizing variant allele frequency, disease prevalence and penetrance estimates, and inheritance mode, an automated score was calculated to assess if this variant is too frequent to cause the disease. Based on the score and internal cut-off values, a variant classified as benign is not then subjected to further curation. The score for this variant resulted in a classification of benign for this disease.

Breakthrough Genomics
Classification: Benign. Review status: criteria provided, single submitter. Criteria: ACMG Guidelines, 2015. Collection method: not provided. Allele origin: germline. Inheritance: Autosomal dominant inheritance. Affected: yes.